The following is an entry in ClinVar:

NM_138694.4(PKHD1):c.5656del (p.Met1886fs)

Gene: PKHD1 (PKHD1 ciliary IPT domain containing fibrocystin/polyductin; minus strand). Cytogenetic location: 6p12.2.
Variant type: Deletion.
Coding change: c.5656del on transcript NM_138694.4 (MANE Select); coding-DNA position 5656, one base deleted (A; older notation c.5656delA).
Protein change: p.Met1886fs; shifts the reading frame from methionine 1886.
Molecular consequence: frameshift variant.
Genome position (GRCh38, 1-based): chr6:52,010,404, T deleted on the plus strand (A on the coding strand, the reverse complement: PKHD1 is on the minus strand). VCF-style (leftmost placement, unchanged base first): chr6-52010403-AT-A. GRCh37 (hg19) VCF-style: chr6-51875201-AT-A.
Other names: c.5656del, p.Met1886fs (NM_170724.3); short protein forms M1886fs.
Identifiers: ClinVar variation 2122597 (VCV002122597.4), dbSNP rs2538115342, ClinGen allele CA2580075470.

ClinVar aggregate classification (germline): Pathogenic (1 of 4 stars; one submission).

Conditions:
Autosomal recessive polycystic kidney disease (ARPKD). Also called: AR polycystic kidney disease. Identifiers: Orphanet 731, Orphanet 8378, MedGen C0085548, MeSH D017044, MONDO:0009889.

Submission:

Labcorp Genetics (formerly Invitae), Labcorp
Classification: Pathogenic for Autosomal recessive polycystic kidney disease. Last evaluated: 2022-04-07. Review status: criteria provided, single submitter. Criteria: Invitae Variant Classification Sherloc (09022015). Collection method: clinical testing. Allele origin: germline.
Comment: This variant has not been reported in the literature in individuals affected with PKHD1-related conditions. For these reasons, this variant has been classified as Pathogenic. This variant is not present in population databases (gnomAD no frequency). This sequence change creates a premature translational stop signal (p.Met1886Trpfs*88) in the PKHD1 gene. It is expected to result in an absent or disrupted protein product. Loss-of-function variants in PKHD1 are known to be pathogenic (PMID: 19940839).

Literature cited by the submitters: PubMed 19940839.